The following is an entry in ClinVar:

NM_000890.5(KCNJ5):c.867G>A (p.Met289Ile)

Gene: KCNJ5 (potassium inwardly rectifying channel subfamily J member 5; plus strand). Cytogenetic location: 11q24.3.
Variant type: single nucleotide variant.
Coding change: c.867G>A on transcript NM_000890.5 (MANE Select); coding-DNA position 867, G replaced by A.
Protein change: p.Met289Ile; replaces methionine 289 with isoleucine.
Molecular consequence: missense variant.
Genome position (GRCh38, 1-based): chr11:128,912,140, G>A. VCF-style: chr11-128912140-G-A. GRCh37 (hg19) VCF-style: chr11-128782035-G-A.
Other names: c.867G>A, p.Met289Ile (NM_001354169.2); short protein forms M289I.
Identifiers: ClinVar variation 2497225 (VCV002497225.2), dbSNP rs1944514242, ClinGen allele CA383251356.

ClinVar aggregate classification (germline): Uncertain significance (1 of 4 stars; one submission).

Conditions:
Cardiovascular phenotype. Identifiers: MedGen CN230736.

Allele frequency attached by ClinVar (database versions not stated): TOPMed below 0.00001.

Submission:

Ambry Genetics
Classification: Uncertain significance for Cardiovascular phenotype. Last evaluated: 2022-11-02. Review status: criteria provided, single submitter. Criteria: Ambry Variant Classification Scheme 2023. Collection method: clinical testing. Allele origin: germline.
Comment: The p.M289I variant (also known as c.867G>A), located in coding exon 1 of the KCNJ5 gene, results from a G to A substitution at nucleotide position 867. The methionine at codon 289 is replaced by isoleucine, an amino acid with highly similar properties. This amino acid position is well conserved in available vertebrate species. In addition, the in silico prediction for this alteration is inconclusive. Since supporting evidence is limited at this time, the clinical significance of this alteration remains unclear.